The following is an entry in ClinVar:

NM_080632.3(UPF3B):c.1202G>A (p.Arg401Gln)

Gene: UPF3B (UPF3B regulator of nonsense mediated mRNA decay; minus strand). Cytogenetic location: Xq24.
Variant type: single nucleotide variant.
Coding change: c.1202G>A on transcript NM_080632.3 (MANE Select); coding-DNA position 1202, G replaced by A.
Protein change: p.Arg401Gln; replaces arginine 401 with glutamine.
Molecular consequence: missense variant.
Genome position (GRCh38, 1-based): chrX:119,837,857, C>T on the plus strand (G>A on the coding strand, the complement: UPF3B is on the minus strand). VCF-style: chrX-119837857-C-T. GRCh37 (hg19) VCF-style: chrX-118971820-C-T.
Other names: c.1163G>A, p.Arg388Gln (NM_023010.4); short protein forms R401Q, R388Q.
Identifiers: ClinVar variation 581972 (VCV000581972.9), dbSNP rs775993429, ClinGen allele CA10503168.

ClinVar aggregate classification (germline): Uncertain significance (1 of 4 stars; one submission).

Conditions:
Intellectual developmental disorder, X-linked, syndromic 14. Also called: Syndromic X-linked intellectual disability 14. Identifiers: Orphanet 776, MedGen C1970822, MONDO:0010398, OMIM 300676.

Allele frequency attached by ClinVar (database versions not stated): ExAC 0.00002; gnomAD exomes 0.00001 and 0.00002; TOPMed 0.00001.
gnomAD v4.1: 7 of 1,210,577 alleles (0.00058%); highest among the groups gnomAD compares: Admixed American, 0.0022%; no homozygotes.

Submission:

Labcorp Genetics (formerly Invitae), Labcorp
Classification: Uncertain significance for Intellectual developmental disorder, X-linked, syndromic 14. Last evaluated: 2023-11-16. Review status: criteria provided, single submitter. Criteria: Invitae Variant Classification Sherloc (09022015). Collection method: clinical testing. Allele origin: germline.
Comment: This sequence change replaces arginine, which is basic and polar, with glutamine, which is neutral and polar, at codon 401 of the UPF3B protein (p.Arg401Gln). This variant is present in population databases (rs775993429, gnomAD 0.008%). This variant has not been reported in the literature in individuals affected with UPF3B-related conditions. ClinVar contains an entry for this variant (Variation ID: 581972). Advanced modeling of protein sequence and biophysical properties (such as structural, functional, and spatial information, amino acid conservation, physicochemical variation, residue mobility, and thermodynamic stability) performed at Invitae indicates that this missense variant is not expected to disrupt UPF3B protein function with a negative predictive value of 80%. In summary, the available evidence is currently insufficient to determine the role of this variant in disease. Therefore, it has been classified as a Variant of Uncertain Significance.